The following is an entry in ClinVar:

NM_000368.5(TSC1):c.1953A>T (p.Arg651Ser)

Gene: TSC1 (TSC complex subunit 1; minus strand). Cytogenetic location: 9q34.13.
Variant type: single nucleotide variant.
Coding change: c.1953A>T on transcript NM_000368.5 (MANE Select); coding-DNA position 1953, A replaced by T.
Protein change: p.Arg651Ser; replaces arginine 651 with serine.
Molecular consequence: missense variant. On other transcripts: non-coding transcript variant (5).
Genome position (GRCh38, 1-based): chr9:132,905,625, T>A on the plus strand (A>T on the coding strand, the complement: TSC1 is on the minus strand). VCF-style: chr9-132905625-T-A. GRCh37 (hg19) VCF-style: chr9-135781012-T-A.
Other names: c.1587A>T, p.Arg529Ser (NM_001406621.1, NM_001406622.1, NM_001406623.1 and 2 more transcripts); c.1590A>T, p.Arg530Ser (NM_001406624.1, NM_001406616.1, NM_001406617.1 and 5 more transcripts); c.1002A>T, p.Arg334Ser (NM_001406626.1); c.999A>T, p.Arg333Ser (NM_001406627.1, NM_001406628.1); c.900A>T, p.Arg300Ser (NM_001406629.1, NM_001406630.1); c.1953A>T, p.Arg651Ser (NM_001406594.1, NM_001406595.1, NM_001406596.1 and 7 more transcripts); c.1950A>T, p.Arg650Ser (NM_001406597.1, NM_001406598.1, NM_001406599.1 and 6 more transcripts); c.1800A>T, p.Arg600Ser (NM_001162427.2, NM_001406610.1); and 1 more; short protein forms R300S, R650S, R651S, R334S, R529S, R530S, R599S, R333S.
Identifiers: ClinVar variation 3462511 (VCV003462511.2).
Genomic context (GRCh38, chr9:132,905,625, plus strand): 5'-TGCCCCAGTCCCTTACTTGTTCAGCTCCTTGCTGTGCGCGTCTGCTCCCTGCTGTATCAG[T>A]CTGTCCAGCACTTCCATTGGGGAGGTAGAGGGCACACCATCTTCCTCTGTGTTTCCTTTT-3'
Protein context (NP_000359.1, residues 641-661): PSTSPMEVLD[Arg651Ser]LIQQGADAHS

ClinVar aggregate classification (germline): Uncertain significance (1 of 4 stars; one submission).

Conditions:
Hereditary cancer-predisposing syndrome. Also called: Neoplastic Syndromes, Hereditary; Tumor predisposition; Hereditary Cancer Syndrome; Hereditary neoplastic syndrome. Identifiers: Orphanet 140162, MedGen C0027672, MeSH D009386, MONDO:0015356.

gnomAD v4.1: 7 of 1,614,256 alleles (0.00043%); highest among the groups gnomAD compares: Non-Finnish European, 0.00051%; no homozygotes.

Submission:

Ambry Genetics
Classification: Uncertain significance for Hereditary cancer-predisposing syndrome. Last evaluated: 2026-04-18. Review status: criteria provided, single submitter. Criteria: Ambry Variant Classification Scheme 2023. Collection method: clinical testing. Allele origin: germline.
Comment: The p.R651S variant (also known as c.1953A>T), located in coding exon 13 of the TSC1 gene, results from an A to T substitution at nucleotide position 1953. The arginine at codon 651 is replaced by serine, an amino acid with dissimilar properties. This amino acid position is conserved. In addition, this alteration is predicted to be deleterious by in silico analysis. Based on the available evidence, the clinical significance of this variant remains unclear.